The following is an entry in ClinVar:

ClinVar aggregate classification (germline): Pathogenic (1 of 4 stars; one submission).

Submission:

Labcorp Genetics (formerly Invitae), Labcorp
Classification: Pathogenic. Last evaluated: 2021-05-05. Review status: criteria provided, single submitter. Criteria: Invitae Variant Classification Sherloc (09022015). Collection method: clinical testing. Allele origin: germline.
Comment: This variant has not been reported in the literature in individuals with ERCC6-related conditions. For these reasons, this variant has been classified as Pathogenic. This variant is not present in population databases (ExAC no frequency). This sequence change creates a premature translational stop signal (p.Asn1112Metfs*11) in the ERCC6 gene. It is expected to result in an absent or disrupted protein product. Loss-of-function variants in ERCC6 are known to be pathogenic (PMID: 18628313, 29572252).

Literature cited by the submitters: PubMed 18628313; PubMed 29572252.

NM_000124.4(ERCC6):c.3335del (p.Asn1112fs)

Gene: ERCC6 (ERCC excision repair 6, chromatin remodeling factor; minus strand). Cytogenetic location: 10q11.23.
Variant type: Deletion.
Coding change: c.3335del on transcript NM_000124.4 (MANE Select); coding-DNA position 3335, one base deleted (A; older notation c.3335delA).
Protein change: p.Asn1112fs; shifts the reading frame from asparagine 1112.
Molecular consequence: frameshift variant.
Genome position (GRCh38, 1-based): chr10:49,470,625, T deleted on the plus strand (A on the coding strand, the reverse complement: ERCC6 is on the minus strand); the first of 3 consecutive T bases (chr10:49,470,625-49,470,627); deleting any one gives the same sequence. VCF-style (leftmost placement, unchanged base first): chr10-49470624-AT-A. GRCh37 (hg19) VCF-style: chr10-50678670-AT-A.
Other names: c.3335del, p.Asn1112fs (NM_001346440.2); short protein forms N1112fs.
Identifiers: ClinVar variation 1420712 (VCV001420712.6), dbSNP rs2132537371, ClinGen allele CA2573145159.